The following is an entry in ClinVar:

NM_006623.4(PHGDH):c.851T>C (p.Leu284Pro)

Gene: PHGDH (phosphoglycerate dehydrogenase; plus strand). Cytogenetic location: 1p12.
Variant type: single nucleotide variant.
Coding change: c.851T>C on transcript NM_006623.4 (MANE Select); coding-DNA position 851, T replaced by C.
Protein change: p.Leu284Pro; replaces leucine 284 with proline.
Molecular consequence: missense variant.
Genome position (GRCh38, 1-based): chr1:119,737,172, T>C. VCF-style: chr1-119737172-T-C. GRCh37 (hg19) VCF-style: chr1-120279795-T-C.
Other names: short protein forms L284P.
Identifiers: ClinVar variation 1978030 (VCV001978030.2), dbSNP rs777598724, ClinGen allele CA1037278.

ClinVar aggregate classification (germline): Uncertain significance (1 of 4 stars; one submission).

Conditions:
PHGDH deficiency. Identifiers: Orphanet 79351, MedGen C1866174, MONDO:0011152, OMIM 601815.

Allele frequency attached by ClinVar (database versions not stated): gnomAD exomes below 0.00001; ExAC 0.00001.
gnomAD v4.1: 3 of 1,613,972 alleles (0.00019%); highest among the groups gnomAD compares: Non-Finnish European, 0.00025%; no homozygotes.

Submission:

Labcorp Genetics (formerly Invitae), Labcorp
Classification: Uncertain significance for PHGDH deficiency. Last evaluated: 2022-08-15. Review status: criteria provided, single submitter. Criteria: Invitae Variant Classification Sherloc (09022015). Collection method: clinical testing. Allele origin: germline.
Comment: This sequence change replaces leucine, which is neutral and non-polar, with proline, which is neutral and non-polar, at codon 284 of the PHGDH protein (p.Leu284Pro). This variant is present in population databases (rs777598724, gnomAD 0.0009%). This variant has not been reported in the literature in individuals affected with PHGDH-related conditions. Algorithms developed to predict the effect of missense changes on protein structure and function (SIFT, PolyPhen-2, Align-GVGD) all suggest that this variant is likely to be disruptive. In summary, the available evidence is currently insufficient to determine the role of this variant in disease. Therefore, it has been classified as a Variant of Uncertain Significance.